The following is an entry in ClinVar:

ClinVar aggregate classification (germline): Uncertain significance (1 of 4 stars; one submission).

Allele frequency attached by ClinVar (database versions not stated): gnomAD exomes 0.00001; ExAC 0.00001.
gnomAD v4.1: 4 of 1,579,280 alleles (0.00025%); highest among the groups gnomAD compares: Non-Finnish European, 0.00026%; no homozygotes.

Submission:

Labcorp Genetics (formerly Invitae), Labcorp
Classification: Uncertain significance. Last evaluated: 2025-11-03. Review status: criteria provided, single submitter. Criteria: Invitae Variant Classification Sherloc (09022015). Collection method: clinical testing. Allele origin: germline.
Comment: This sequence change replaces threonine, which is neutral and polar, with serine, which is neutral and polar, at codon 687 of the EEF2 protein (p.Thr687Ser). The frequency data for this variant in the population databases is considered unreliable, as metrics indicate poor data quality at this position in the gnomAD database. This variant has not been reported in the literature in individuals affected with EEF2-related conditions. ClinVar contains an entry for this variant (Variation ID: 1959967). Invitae Evidence Modeling of protein sequence and biophysical properties (such as structural, functional, and spatial information, amino acid conservation, physicochemical variation, residue mobility, and thermodynamic stability) indicates that this missense variant is not expected to disrupt EEF2 protein function with a negative predictive value of 80%. In summary, the available evidence is currently insufficient to determine the role of this variant in disease. Therefore, it has been classified as a Variant of Uncertain Significance.

NM_001961.4(EEF2):c.2059A>T (p.Thr687Ser)

Gene: EEF2 (eukaryotic translation elongation factor 2; minus strand). Cytogenetic location: 19p13.3.
Variant type: single nucleotide variant.
Coding change: c.2059A>T on transcript NM_001961.4 (MANE Select); coding-DNA position 2059, A replaced by T.
Protein change: p.Thr687Ser; replaces threonine 687 with serine.
Molecular consequence: missense variant.
Genome position (GRCh38, 1-based): chr19:3,977,827, T>A on the plus strand (A>T on the coding strand, the complement: EEF2 is on the minus strand). VCF-style: chr19-3977827-T-A. GRCh37 (hg19) VCF-style: chr19-3977825-T-A.
Other names: short protein forms T687S.
Identifiers: ClinVar variation 1959967 (VCV001959967.5), dbSNP rs751952139, ClinGen allele CA9088701.